The following is an entry in ClinVar:

ClinVar aggregate classification (germline): Pathogenic (1 of 4 stars; one submission).

Conditions:
Inborn genetic diseases. Identifiers: MedGen C0950123, MeSH D030342.

Submission:

Ambry Genetics
Classification: Pathogenic for Inborn genetic diseases. Last evaluated: 2021-12-02. Review status: criteria provided, single submitter. Criteria: Ambry Variant Classification Scheme 2023. Collection method: clinical testing. Allele origin: germline.
Comment: The c.2747delC (p.P916Lfs*42) alteration, located in exon 16 (coding exon 16) of the TUBGCP6 gene, consists of a deletion of one nucleotide at position 2747, causing a translational frameshift with a predicted alternate stop codon after 42 amino acids. This alteration is expected to result in loss of function by premature protein truncation or nonsense-mediated mRNA decay. This variant was not reported in population-based cohorts in the Genome Aggregation Database (gnomAD). Based on the available evidence, this alteration is classified as pathogenic.

NM_020461.4(TUBGCP6):c.2747del (p.Pro916fs)

Gene: TUBGCP6 (tubulin gamma complex component 6; minus strand). Cytogenetic location: 22q13.33.
Variant type: Deletion.
Coding change: c.2747del on transcript NM_020461.4 (MANE Select); coding-DNA position 2747, one base deleted (C; older notation c.2747delC).
Protein change: p.Pro916fs; shifts the reading frame from proline 916.
Molecular consequence: frameshift variant.
Genome position (GRCh38, 1-based): chr22:50,221,612, G deleted on the plus strand (C on the coding strand, the reverse complement: TUBGCP6 is on the minus strand); the first of 3 consecutive G bases (chr22:50,221,612-50,221,614); deleting any one gives the same sequence. VCF-style (leftmost placement, unchanged base first): chr22-50221611-AG-A. GRCh37 (hg19) VCF-style: chr22-50660040-AG-A.
Other names: short protein forms P916fs.
Identifiers: ClinVar variation 2258216 (VCV002258216.2), dbSNP rs1555907654, ClinGen allele CA412187037.